The following is an entry in ClinVar:

ClinVar aggregate classification (germline): Uncertain significance (1 of 4 stars; one submission).

Submission:

Labcorp Genetics (formerly Invitae), Labcorp
Classification: Uncertain significance. Last evaluated: 2022-07-12. Review status: criteria provided, single submitter. Criteria: Invitae Variant Classification Sherloc (09022015). Collection method: clinical testing. Allele origin: germline.
Comment: In summary, the available evidence is currently insufficient to determine the role of this variant in disease. Therefore, it has been classified as a Variant of Uncertain Significance. Advanced modeling of protein sequence and biophysical properties (such as structural, functional, and spatial information, amino acid conservation, physicochemical variation, residue mobility, and thermodynamic stability) performed at Invitae indicates that this missense variant is expected to disrupt FLNB protein function. This variant has not been reported in the literature in individuals affected with FLNB-related conditions. This variant is not present in population databases (gnomAD no frequency). This sequence change replaces proline, which is neutral and non-polar, with histidine, which is basic and polar, at codon 2233 of the FLNB protein (p.Pro2233His).

NM_001457.4(FLNB):c.6698C>A (p.Pro2233His)

Gene: FLNB (filamin B; plus strand). Cytogenetic location: 3p14.3.
Variant type: single nucleotide variant.
Coding change: c.6698C>A on transcript NM_001457.4 (MANE Select); coding-DNA position 6698, C replaced by A.
Protein change: p.Pro2233His; replaces proline 2233 with histidine.
Molecular consequence: missense variant.
Genome position (GRCh38, 1-based): chr3:58,154,854, C>A. VCF-style: chr3-58154854-C-A. GRCh37 (hg19) VCF-style: chr3-58140581-C-A.
Other names: c.6791C>A, p.Pro2264His (NM_001164317.2); c.6665C>A, p.Pro2222His (NM_001164318.2); c.6626C>A, p.Pro2209His (NM_001164319.2); short protein forms P2222H, P2264H, P2209H, P2233H.
Identifiers: ClinVar variation 2016276 (VCV002016276.4), dbSNP rs2471227983, ClinGen allele CA353360418.